The following is an entry in ClinVar:

NM_000138.5(FBN1):c.3415G>C (p.Glu1139Gln)

Gene: FBN1 (fibrillin 1; minus strand). Cytogenetic location: 15q21.1.
Variant type: single nucleotide variant.
Coding change: c.3415G>C on transcript NM_000138.5 (MANE Select); coding-DNA position 3415, G replaced by C.
Protein change: p.Glu1139Gln; replaces glutamic acid 1139 with glutamine.
Molecular consequence: missense variant.
Genome position (GRCh38, 1-based): chr15:48,487,360, C>G on the plus strand (G>C on the coding strand, the complement: FBN1 is on the minus strand). VCF-style: chr15-48487360-C-G. GRCh37 (hg19) VCF-style: chr15-48779557-C-G.
Other names: short protein forms E1139Q.
Identifiers: ClinVar variation 391621 (VCV000391621.6), dbSNP rs780972853, ClinGen allele CA050549.
Genomic context (GRCh38, chr15:48,487,360, plus strand): 5'-CTTTCTCCTTACCGATACACGCGGAGATGTTGGGGGACAGCTGATGGCCAGGCGGGCATT[C>G]ACAGCGGTAACTTCCCTCTGTGTTATGGCAAACACCACCTCGGCATAGGAGAGGATCTCT-3'
Protein context (NP_000129.3, residues 1129-1149): CHNTEGSYRC[Glu1139Gln]CPPGHQLSPN

ClinVar aggregate classification (germline): Conflicting classifications of pathogenicity. Review status: criteria provided, conflicting classifications (1 of 4 stars). 3 submissions from 3 submitters: Uncertain significance (1); Likely benign (2). Last evaluated 2023-08-20.

Conditions:
Marfan syndrome (MFS). Also called: Marfan syndrome, classic; Marfan syndrome type 1; Marfan's syndrome; MARFAN SYNDROME, TYPE I; FBN1-Related Marfan Syndrome. Identifiers: Orphanet 284963, Orphanet 558, MedGen C0024796, MONDO:0007947, OMIM 154700.
Familial thoracic aortic aneurysm and aortic dissection (TAAD). Also called: Thoracic aortic aneurysms and dissections. Identifiers: Orphanet 91387, MedGen C4707243, MONDO:0019625.

Allele frequency attached by ClinVar (database versions not stated): gnomAD exomes 0.00003 and 0.00004; ExAC 0.00001; gnomAD 0.00003 and 0.00004.
gnomAD v4.1: 29 of 1,614,102 alleles (0.0018%); highest among the groups gnomAD compares: Non-Finnish European, 0.00034%; no homozygotes.

Submissions (3):

Labcorp Genetics (formerly Invitae), Labcorp
Classification: Likely benign for Marfan syndrome; Familial thoracic aortic aneurysm and aortic dissection. Last evaluated: 2023-08-20. Review status: criteria provided, single submitter. Criteria: Invitae Variant Classification Sherloc (09022015). Collection method: clinical testing. Allele origin: germline.

Blueprint Genetics
Classification: Likely benign. Last evaluated: 2019-02-13. Review status: criteria provided, single submitter. Criteria: ACMG Guidelines, 2015. Collection method: clinical testing. Allele origin: germline.

GeneDx
Classification: Uncertain significance. Last evaluated: 2016-12-12. Review status: criteria provided, single submitter. Criteria: GeneDx Variant Classification (06012015). Collection method: clinical testing. Allele origin: germline. Affected: yes.
Comment: A variant of uncertain significance has been identified in the FBN1 gene. The E1139Q variant has not been published as a pathogenic variant, nor has it been reported as a benign variant to our knowledge. This variant was not observed in approximately 6,500 individuals of European and African American ancestry in the NHLBI Exome Sequencing Project, indicating it is not a common benign variant in these populations. The E1139Q variant is a semi-conservative amino acid substitution, which may impact secondary protein structure as these residues differ in some properties. However, this substitution occurs at a position that is not conserved across species and in silico analysis is inconsistent in its predictions as to whether or not the variant is damaging to the protein structure/function. Finally, while the E1139Q variant is located within a calcium-binding EGF-like domain of the FBN1 gene, it does not affect a Cysteine residue in this domain. Cysteine substitutions in the calcium-binding EGF-like domains represent the majority of pathogenic missense changes associated with Marfan syndrome (Collod-Beroud et al., 2003).